The following is an entry in ClinVar:

NM_000214.3(JAG1):c.695-1G>C

Gene: JAG1 (jagged canonical Notch ligand 1; minus strand). Cytogenetic location: 20p12.2.
Variant type: single nucleotide variant.
Coding change: c.695-1G>C on transcript NM_000214.3 (MANE Select); the canonical splice acceptor site of the intron before coding-DNA position 695, G replaced by C.
Molecular consequence: splice acceptor variant.
Genome position (GRCh38, 1-based): chr20:10,656,459, C>G on the plus strand (G>C on the coding strand, the complement: JAG1 is on the minus strand). VCF-style: chr20-10656459-C-G. GRCh37 (hg19) VCF-style: chr20-10637107-C-G.
Identifiers: ClinVar variation 2573014 (VCV002573014.1), dbSNP rs2514524519, ClinGen allele CA408239870.

ClinVar aggregate classification (germline): Likely pathogenic (1 of 4 stars; one submission).

Conditions:
Alagille syndrome due to a JAG1 point mutation. Also called: HEPATIC DUCTULAR HYPOPLASIA, SYNDROMATIC; Alagille Syndrome 1; JAG1-Related Alagille Syndrome. Identifiers: Orphanet 261619, Orphanet 52, MedGen C1956125, MONDO:0016862, OMIM 118450.

Submission:

Illumina Laboratory Services, Illumina
Classification: Likely pathogenic for Alagille syndrome due to a JAG1 point mutation. Last evaluated: 2023-01-24. Review status: criteria provided, single submitter. Criteria: ICSLVariantClassificationCriteria RUGD 01 April 2020. Collection method: clinical testing. Allele origin: unknown.
Comment: The JAG1 c.695-1G>C variant results in the substitution of a guanine within the consensus splice acceptor site with a cytosine, which may result in splicing defects. To our knowledge, the c.695-1G>C variant has not been reported in the peer-reviewed literature. This variant is not found in version 2.1.1 or version 3.1.2 of the Genome Aggregation Database. Based on the available evidence, the c.695-1G>C variant is classified as likely pathogenic for Alagille syndrome.